The following is an entry in ClinVar:

NM_001005242.3(PKP2):c.-9A>G

Gene: PKP2 (plakophilin 2; minus strand). Cytogenetic location: 12p11.21.
Variant type: single nucleotide variant.
Coding change: c.-9A>G on transcript NM_001005242.3 (MANE Select); 9 bases upstream of the start codon, A replaced by G.
Molecular consequence: 5 prime UTR variant.
Genome position (GRCh38, 1-based): chr12:32,896,740, T>C on the plus strand (A>G on the coding strand, the complement: PKP2 is on the minus strand). VCF-style: chr12-32896740-T-C. GRCh37 (hg19) VCF-style: chr12-33049674-T-C.
Other names: c.-9A>G (NM_001407155.1, NM_001407156.1, NM_001407157.1 and 2 more transcripts); c.-835A>G (NM_001407158.1, NM_001407162.1); c.-599A>G (NM_001407159.1, NM_001407160.1).
Identifiers: ClinVar variation 3894445 (VCV003894445.1).

ClinVar aggregate classification (germline): Uncertain significance (1 of 4 stars; one submission).

Conditions:
Cardiomyopathy (CMYO). Also called: Cardiomyopathies. Identifiers: Orphanet 167848, MedGen C0878544, MONDO:0004994, HP:0001638. Inheritance: Various modes of inheritance.

gnomAD v4.1: 1 of 1,395,000 alleles (0.000072%); highest among the groups gnomAD compares: African/African-American, 0.0015%; no homozygotes.

Submission:

Color Diagnostics, LLC DBA Color Health
Classification: Uncertain significance for Cardiomyopathy. Last evaluated: 2024-03-04. Review status: criteria provided, single submitter. Criteria: ACMG Guidelines, 2015. Collection method: clinical testing. Allele origin: germline.
Comment: This variant is located in the 5' untranslated region of the PKP2 gene. To our knowledge, functional studies have not been reported for this variant. This variant has not been reported in individuals affected with PKP2-related disorders in the literature. This variant has not been identified in the general population by the Genome Aggregation Database (gnomAD). The available evidence is insufficient to determine the role of this variant in disease conclusively. Therefore, this variant is classified as a Variant of Uncertain Significance.